The following is an entry in ClinVar:

NC_012920.1(MT-ND4):m.11590A>G

Gene: MT-ND4 (mitochondrially encoded NADH dehydrogenase 4; plus strand).
Variant type: single nucleotide variant.
Genome position: chrM-11590-A-G.
Identifiers: ClinVar variation 377091 (VCV000377091.3), dbSNP rs370318850, ClinGen allele CA16603265.

ClinVar aggregate classification (germline): Uncertain significance (1 of 4 stars; one submission).

Submission:

Center for Pediatric Genomic Medicine, Children's Mercy Hospital and Clinics
Classification: Uncertain significance. Last evaluated: 2017-01-02. Review status: criteria provided, single submitter. Criteria: ACMG Guidelines, 2015. Collection method: clinical testing. Allele origin: germline.
ClinVar note: Converted during submission from Uncertain Significance to Uncertain significance.